The following is an entry in ClinVar:

ClinVar aggregate classification (germline): Uncertain significance (1 of 4 stars; one submission).

Allele frequency attached by ClinVar (database versions not stated): gnomAD exomes below 0.00001; TOPMed 0.00002; gnomAD 0.00003; ESP Exome Variant Server 0.00008.
gnomAD v4.1: 6 of 1,613,998 alleles (0.00037%); highest among the groups gnomAD compares: African/African-American, 0.008%; no homozygotes.

Submission:

Labcorp Genetics (formerly Invitae), Labcorp
Classification: Uncertain significance. Last evaluated: 2023-12-02. Review status: criteria provided, single submitter. Criteria: Invitae Variant Classification Sherloc (09022015). Collection method: clinical testing. Allele origin: germline.
Comment: This sequence change replaces alanine, which is neutral and non-polar, with glutamic acid, which is acidic and polar, at codon 1362 of the LAMC3 protein (p.Ala1362Glu). This variant is present in population databases (rs377715586, gnomAD 0.02%). This variant has not been reported in the literature in individuals affected with LAMC3-related conditions. An algorithm developed to predict the effect of missense changes on protein structure and function (PolyPhen-2) suggests that this variant¬†is likely to be tolerated. In summary, the available evidence is currently insufficient to determine the role of this variant in disease. Therefore, it has been classified as a Variant of Uncertain Significance.

NM_006059.4(LAMC3):c.4085C>A (p.Ala1362Glu)

Gene: LAMC3 (laminin subunit gamma 3; plus strand). Cytogenetic location: 9q34.12.
Variant type: single nucleotide variant.
Coding change: c.4085C>A on transcript NM_006059.4 (MANE Select); coding-DNA position 4085, C replaced by A.
Protein change: p.Ala1362Glu; replaces alanine 1362 with glutamic acid.
Molecular consequence: missense variant.
Genome position (GRCh38, 1-based): chr9:131,085,578, C>A. VCF-style: chr9-131085578-C-A. GRCh37 (hg19) VCF-style: chr9-133960965-C-A.
Other names: short protein forms A1362E.
Identifiers: ClinVar variation 2811625 (VCV002811625.1), dbSNP rs377715586, ClinGen allele CA200680985.